The following is an entry in ClinVar:

NM_013266.4(CTNNA3):c.2054G>C (p.Ser685Thr)

Gene: CTNNA3 (catenin alpha 3; minus strand). Cytogenetic location: 10q21.3.
Variant type: single nucleotide variant.
Coding change: c.2054G>C on transcript NM_013266.4 (MANE Select); coding-DNA position 2054, G replaced by C.
Protein change: p.Ser685Thr; replaces serine 685 with threonine.
Molecular consequence: missense variant.
Genome position (GRCh38, 1-based): chr10:66,069,413, C>G on the plus strand (G>C on the coding strand, the complement: CTNNA3 is on the minus strand). VCF-style: chr10-66069413-C-G. GRCh37 (hg19) VCF-style: chr10-67829171-C-G.
Other names: c.2054G>C, p.Ser685Thr (NM_001127384.3); short protein forms S685T.
Identifiers: ClinVar variation 1367825 (VCV001367825.8), dbSNP rs774933459, ClinGen allele CA377089690.

ClinVar aggregate classification (germline): Uncertain significance (1 of 4 stars; one submission).

Conditions:
Arrhythmogenic right ventricular dysplasia 13. Also called: ARRHYTHMOGENIC RIGHT VENTRICULAR CARDIOMYOPATHY 13; Arrhythmogenic right ventricular dysplasia, familial, 13. Identifiers: MedGen C3810138, MONDO:0000908, OMIM 615616.

Submission:

Labcorp Genetics (formerly Invitae), Labcorp
Classification: Uncertain significance for Arrhythmogenic right ventricular dysplasia 13. Last evaluated: 2022-08-10. Review status: criteria provided, single submitter. Criteria: Invitae Variant Classification Sherloc (09022015). Collection method: clinical testing. Allele origin: germline.
Comment: ClinVar contains an entry for this variant (Variation ID: 1367825). This sequence change replaces serine, which is neutral and polar, with threonine, which is neutral and polar, at codon 685 of the CTNNA3 protein (p.Ser685Thr). This variant is not present in population databases (gnomAD no frequency). This variant has not been reported in the literature in individuals affected with CTNNA3-related conditions. Algorithms developed to predict the effect of missense changes on protein structure and function are either unavailable or do not agree on the potential impact of this missense change (SIFT: "Tolerated"; PolyPhen-2: "Not Available"; Align-GVGD: "Class C0"). In summary, the available evidence is currently insufficient to determine the role of this variant in disease. Therefore, it has been classified as a Variant of Uncertain Significance.